The following is an entry in ClinVar:

NM_000202.8(IDS):c.336C>T (p.His112=)

Gene: IDS (iduronate 2-sulfatase; minus strand). Cytogenetic location: Xq28.
Variant type: single nucleotide variant.
Coding change: c.336C>T on transcript NM_000202.8 (MANE Select); coding-DNA position 336, C replaced by T.
Protein change: p.His112=; no amino-acid change (histidine 112 retained).
Molecular consequence: synonymous variant. On other transcripts: non-coding transcript variant (1).
Genome position (GRCh38, 1-based): chrX:149,503,394, G>A on the plus strand (C>T on the coding strand, the complement: IDS is on the minus strand). VCF-style: chrX-149503394-G-A. GRCh37 (hg19) VCF-style: chrX-148584924-G-A.
Other names: c.336C>T (NM_000202.5); c.66C>T, p.His22= (NM_001166550.4); c.336C>T, p.His112= (NM_006123.5).
Identifiers: ClinVar variation 791680 (VCV000791680.18), dbSNP rs138687038, ClinGen allele CA10537704.

ClinVar aggregate classification (germline): Benign/Likely benign. Review status: criteria provided, multiple submitters, no conflicts (2 of 4 stars). 4 submissions from 4 submitters: Benign (1); Likely benign (2). 1 of the submissions does not count toward it. Last evaluated 2026-01-24.

Conditions:
Mucopolysaccharidosis, MPS-II (MPS2). Also called: IDS deficiency; Sulfoiduronate sulfatase deficiency; SIDS deficiency; Mucopolysaccharidosis with skin involvement; Hunter Syndrome; IDURONATE 2-SULFATASE DEFICIENCY. Identifiers: Orphanet 580, Orphanet 79388, MedGen C0026705, MONDO:0010674, OMIM 309900.
Mucopolysaccharidosis, MPS-III-A (MPS3A). Also called: SANFILIPPO SYNDROME A; SULFAMIDASE DEFICIENCY; HEPARAN SULFATE SULFATASE DEFICIENCY; Mucopolysaccharidosis type IIIA (Sanfilippo A); Mucopolysaccharidosis, type IIIA; MPS III A. Identifiers: Orphanet 581, Orphanet 79269, MedGen C0086647, MONDO:0009655, OMIM 252900.
Inborn genetic diseases. Identifiers: MedGen C0950123, MeSH D030342.

Allele frequency attached by ClinVar (database versions not stated): gnomAD exomes 0.00014 and 0.00015; ExAC 0.00028; ESP Exome Variant Server 0.00048; gnomAD 0.00069 and 0.00073; TOPMed 0.00081.
gnomAD v4.1: 227 of 1,192,970 alleles (0.019%); highest among the groups gnomAD compares: African/African-American, 0.24%; no homozygotes.

Submissions (4):

Labcorp Genetics (formerly Invitae), Labcorp
Classification: Likely benign for Mucopolysaccharidosis, MPS-II. Last evaluated: 2026-01-24. Review status: criteria provided, single submitter. Criteria: Invitae Variant Classification Sherloc (09022015). Collection method: clinical testing. Allele origin: germline.

CeGaT Center for Human Genetics Tuebingen
Classification: Likely benign. Last evaluated: 2025-12-01. Review status: criteria provided, single submitter. Criteria: CeGaT Center For Human Genetics Tuebingen Variant Classification Criteria Version 2. Collection method: clinical testing. Allele origin: germline. Affected: yes. Observed: 1 variant allele.
Comment: IDS: BP4, BP7, BS2

Ambry Genetics
Classification: Benign for Inborn genetic diseases. Last evaluated: 2018-01-05. Review status: criteria provided, single submitter. Criteria: Ambry Variant Classification Scheme 2023. Collection method: clinical testing. Allele origin: germline.

Natera, Inc.
Classification: Likely benign for Mucopolysaccharidosis type IIIA. Last evaluated: 2020-12-23. Review status: no assertion criteria provided. Collection method: clinical testing. Allele origin: germline. Not counted in ClinVar's aggregate classification.